The following is an entry in ClinVar:

ClinVar aggregate classification (germline): Conflicting classifications of pathogenicity. Review status: criteria provided, conflicting classifications (1 of 4 stars). 2 submissions from 2 submitters: Uncertain significance (1); Likely benign (1). Last evaluated 2025-06-18.

Conditions:
Inborn genetic diseases. Identifiers: MedGen C0950123, MeSH D030342.

Allele frequency attached by ClinVar (database versions not stated): ExAC 0.00001; gnomAD 0.00001.
gnomAD v4.1: 24 of 1,609,800 alleles (0.0015%); highest among the groups gnomAD compares: Non-Finnish European, 0.002%; no homozygotes.

Submissions (2):

Ambry Genetics
Classification: Likely benign for Inborn genetic diseases. Last evaluated: 2025-06-18. Review status: criteria provided, single submitter. Criteria: Ambry Variant Classification Scheme 2023. Collection method: clinical testing. Allele origin: germline.

Labcorp Genetics (formerly Invitae), Labcorp
Classification: Uncertain significance. Last evaluated: 2022-06-22. Review status: criteria provided, single submitter. Criteria: Invitae Variant Classification Sherloc (09022015). Collection method: clinical testing. Allele origin: germline.
Comment: This sequence change replaces asparagine, which is neutral and polar, with lysine, which is basic and polar, at codon 4566 of the LRP2 protein (p.Asn4566Lys). This variant is present in population databases (rs756024445, gnomAD 0.0009%). This variant has not been reported in the literature in individuals affected with LRP2-related conditions. Advanced modeling of protein sequence and biophysical properties (such as structural, functional, and spatial information, amino acid conservation, physicochemical variation, residue mobility, and thermodynamic stability) performed at Invitae indicates that this missense variant is not expected to disrupt LRP2 protein function. In summary, the available evidence is currently insufficient to determine the role of this variant in disease. Therefore, it has been classified as a Variant of Uncertain Significance.

NM_004525.3(LRP2):c.13698C>A (p.Asn4566Lys)

Gene: LRP2 (LDL receptor related protein 2; minus strand). Cytogenetic location: 2q31.1.
Variant type: single nucleotide variant.
Coding change: c.13698C>A on transcript NM_004525.3 (MANE Select); coding-DNA position 13698, C replaced by A.
Protein change: p.Asn4566Lys; replaces asparagine 4566 with lysine.
Molecular consequence: missense variant.
Genome position (GRCh38, 1-based): chr2:169,132,604, G>T on the plus strand (C>A on the coding strand, the complement: LRP2 is on the minus strand). VCF-style: chr2-169132604-G-T. GRCh37 (hg19) VCF-style: chr2-169989114-G-T.
Other names: c.13698C>A (NM_004525.2); short protein forms N4566K.
Identifiers: ClinVar variation 2185829 (VCV002185829.2), dbSNP rs756024445, ClinGen allele CA1952458.
Genomic context (GRCh38, chr2:169,132,604, plus strand): 5'-CACATTATTTCAGGAGTCGGCAACTGTTACCTGAGTTCCATCAGCAGCTGGTGAAGTTGG[G>T]TTTGTCTCTGGAACTATCTCAGAAGGGTTTATGGGACTTCCATAATTCTTATTATCCACA-3'
Protein context (NP_004516.2, residues 4556-4576): INPSEIVPET[Asn4566Lys]PTSPAADGTQ